The following is an entry in ClinVar:

NM_024426.6(WT1):c.662-5C>T

Gene: WT1 (WT1 transcription factor; minus strand). Cytogenetic location: 11p13.
Variant type: single nucleotide variant.
Coding change: c.662-5C>T on transcript NM_024426.6 (MANE Select); 5 bases into the intron before coding-DNA position 662, C replaced by T.
Molecular consequence: intron variant.
Genome position (GRCh38, 1-based): chr11:32,428,624, G>A on the plus strand (C>T on the coding strand, the complement: WT1 is on the minus strand). VCF-style: chr11-32428624-G-A. GRCh37 (hg19) VCF-style: chr11-32450170-G-A.
Other names: c.662-566C>T (NM_001407050.1, NM_001407047.1); c.662-5C>T (NM_001407048.1, NM_001407049.1, NM_000378.6 and 4 more transcripts); c.-101-5C>T (NM_001407051.1); c.11-5C>T (NM_001198552.2, NM_001198551.2).
Identifiers: ClinVar variation 476710 (VCV000476710.18), dbSNP rs780259089, ClinGen allele CA065411.
Genomic context (GRCh38, chr11:32,428,624, plus strand): 5'-GTGCGAGGGCGTGTGACCGTAGCTGGGCGTCCCGTCGAAGGTGACCGTGCTGTAACCTGC[G>A]GGAGCGGCGGAGAGAAGCACAGTGTCAGCGGTGCTCTCGCAAGACGGGGCAGTGGGTCTG-3'

ClinVar aggregate classification (germline): Conflicting classifications of pathogenicity. Review status: criteria provided, conflicting classifications (1 of 4 stars). 7 submissions from 7 submitters: Uncertain significance (2); Likely benign (5). Last evaluated 2026-01-07.

Conditions:
11p partial monosomy syndrome (WAGR). Also called: WAGR Spectrum Disorder; WAGR syndrome; CHROMOSOME 11p13 DELETION SYNDROME; WAGR Complex. Identifiers: Orphanet 893, MedGen C0206115, MONDO:0008681, OMIM 194072.
Frasier syndrome. Identifiers: Orphanet 347, MedGen C0950122, MeSH D052159, MONDO:0007635, OMIM 136680.
Drash syndrome (DDS). Also called: NEPHROPATHY, WILMS TUMOR, AND GENITAL ANOMALIES; WILMS TUMOR AND PSEUDO- OR TRUE HERMAPHRODITISM. Identifiers: Orphanet 220, MedGen C0950121, MONDO:0008682, OMIM 194080.
Wilms tumor 1 (WT1). Also called: Wilms tumor, somatic. Identifiers: Orphanet 654, MedGen CN033288, MONDO:0008679, OMIM 194070.
Hereditary cancer-predisposing syndrome. Also called: Tumor predisposition; Hereditary Cancer Syndrome; Neoplastic Syndromes, Hereditary; Hereditary neoplastic syndrome. Identifiers: Orphanet 140162, MedGen C0027672, MeSH D009386, MONDO:0015356.
Inborn genetic diseases. Identifiers: MedGen C0950123, MeSH D030342.

Allele frequency attached by ClinVar (database versions not stated): gnomAD 0.00001; gnomAD exomes 0.00001 and 0.00003; ExAC 0.00002; TOPMed 0.00002.
gnomAD v4.1: 53 of 1,612,308 alleles (0.0033%); highest among the groups gnomAD compares: Middle Eastern, 0.099%; 1 homozygote.

Submissions (7):

Labcorp Genetics (formerly Invitae), Labcorp
Classification: Likely benign for Wilms tumor 1; Drash syndrome; 11p partial monosomy syndrome; Frasier syndrome. Last evaluated: 2026-01-07. Review status: criteria provided, single submitter. Criteria: Invitae Variant Classification Sherloc (09022015). Collection method: clinical testing. Allele origin: germline.

Ambry Genetics
Classification: Uncertain significance for Inborn genetic diseases. Last evaluated: 2024-12-12. Review status: criteria provided, single submitter. Criteria: Ambry Variant Classification Scheme 2023. Collection method: clinical testing. Allele origin: germline.
Comment: The c.647-5C>T intronic variant results from a C to T substitution 5 nucleotides upstream from coding exon 2 in the WT1 gene. This nucleotide position is not well conserved in available vertebrate species. In silico splice site analysis predicts that this alteration will not have any significant effect on splicing. Based on the available evidence, the clinical significance of this variant remains unclear.

Blueprint Genetics
Classification: Likely benign. Last evaluated: 2024-08-09. Review status: criteria provided, single submitter. Criteria: ACMG Guidelines, 2015. Collection method: clinical testing. Allele origin: germline.

KCCC/NGS Laboratory, Kuwait Cancer Control Center
Classification: Likely benign for Wilms tumor 1. Last evaluated: 2023-07-07. Review status: criteria provided, single submitter. Criteria: ACMG Guidelines, 2015. Collection method: clinical testing. Allele origin: germline. Affected: yes.

Color Diagnostics, LLC DBA Color Health
Classification: Likely benign for Wilms tumor 1. Last evaluated: 2023-01-26. Review status: criteria provided, single submitter. Criteria: ACMG Guidelines, 2015. Collection method: clinical testing. Allele origin: germline.

Sema4
Classification: Uncertain significance for Hereditary cancer-predisposing syndrome. Last evaluated: 2022-02-09. Review status: criteria provided, single submitter. Criteria: Sema4 Curation Guidelines. Collection method: curation. Allele origin: germline.
Comment: The WT1 c.647-5C>T variant has not been reported in the literature to our knowledge. It was observed in 2/112820 chromosomes of the Non-Finnish European subpopulation in the large and broad cohorts of the Genome Aggregation Database (PMID: 32461654). The variant has been reported in ClinVar (Variation ID 476710). In silico tools suggest the variant does not have an impact on splicing, though these predictions have not been confirmed by functional studies. The evidence is insufficient to meet ACMG/AMP criteria for classifying the variant as benign or pathogenic. Thus, the clinical significance of this variant is currently uncertain.

Breakthrough Genomics
Classification: Likely benign. Review status: criteria provided, single submitter. Criteria: ACMG Guidelines, 2015. Collection method: not provided. Allele origin: germline. Inheritance: Autosomal dominant inheritance. Affected: yes.